The following is an entry in ClinVar:

ClinVar aggregate classification (germline): Uncertain significance. Review status: reviewed by expert panel (3 of 4 stars). 5 submissions from 5 submitters: Uncertain significance (1). 4 of the submissions do not count toward it. Last evaluated 2025-07-01.

Conditions:
Cardiovascular phenotype. Identifiers: MedGen CN230736.
Cardiac arrhythmia. Also called: Arrhythmia; Cardiac rhythm disease. Identifiers: MedGen C0003811, MONDO:0007263, HP:0011675.
Long QT syndrome (LQTS). Identifiers: MedGen C0023976, MeSH D008133, MONDO:0002442. Disease mechanism: loss of function. Inheritance: Various modes of inheritance.
Long QT syndrome 1 (LQT1). Identifiers: Orphanet 101016, Orphanet 768, MedGen C4551647, MONDO:0100316, OMIM 192500, MONDO:0008646.

Allele frequency attached by ClinVar (database versions not stated): 1000 Genomes Project 30x 0.00031; 1000 Genomes Project 0.00040.
gnomAD v4.1: 24 of 1,613,384 alleles (0.0015%); highest among the groups gnomAD compares: South Asian, 0.015%; no homozygotes.

Submissions (5):

ClinGen Potassium Channel Arrhythmia Variant Curation Expert Panel, ClinGen
Classification: Uncertain significance for Long QT syndrome 1. Last evaluated: 2025-07-01. Review status: reviewed by expert panel. Criteria: ClinGen KChannel ACMG Specifications KCNQ1 V1.0.0 2. Collection method: curation. Allele origin: germline. Inheritance: Autosomal dominant inheritance.
Comment: NM_000218.3(KCNQ1):c.1343C>A is a missense variant predicted to cause substitution of proline by glutamine at amino acid 448 (p.Pro448Gln). To our knowledge, this variant has not been reported in the literature in any individuals with long QT syndrome 1. This variant is present in gnomAD v.4.1.0 at a maximum allele frequency of 0.0001538, with 14 alleles / 91008 total alleles in the South Asian population, which is higher than the ClinGen Potassium Channel Arrhythmia VCEP PM2_Supporting threshold of <0.00001, but lower than the BS1 threshold of >0.0004, so neither criterion is met. To our knowledge, functional assays have not been reported for this variant. The computational predictor REVEL gives a score of 0.512, which is below the ClinGen Potassium Channel Arrhythmia VCEP PP3 threshold of >0.75 but higher than the BP4 threshold of <0.25 and does not strongly predict a damaging effect on KCNQ1 function. The computational splicing predictor SpliceAI gives a score of 0.00 for donor and acceptor gain and loss, which is lower than the ClinGen Potassium Channel Arrhythmia VCEP PP3 threshold of greater than or equal to 0.2 and does not strongly predict a damaging effect on KCNQ1 splicing. In summary, this variant meets the criteria to be classified as a variant of uncertain significance due to insufficient evidence for long QT syndrome 1 based on the ACMG/AMP criteria applied, as specified by the ClinGen Potassium Channel Arrhythmia VCEP. (VCEP specifications version 1.0.0; date of approval 03/04/2025).

Color Diagnostics, LLC DBA Color Health
Classification: Likely benign for Cardiac arrhythmia. Last evaluated: 2025-08-14. Review status: criteria provided, single submitter. Criteria: ACMG Guidelines, 2015. Collection method: clinical testing. Allele origin: germline. Not counted in ClinVar's aggregate classification.

Ambry Genetics
Classification: Likely benign for Cardiovascular phenotype. Last evaluated: 2025-03-31. Review status: criteria provided, single submitter. Criteria: Ambry Variant Classification Scheme 2023. Collection method: clinical testing. Allele origin: germline. Not counted in ClinVar's aggregate classification.

Labcorp Genetics (formerly Invitae), Labcorp
Classification: Benign for Long QT syndrome. Last evaluated: 2024-01-04. Review status: criteria provided, single submitter. Criteria: Invitae Variant Classification Sherloc (09022015). Collection method: clinical testing. Allele origin: germline. Not counted in ClinVar's aggregate classification.

All of Us Research Program, National Institutes of Health
Classification: Uncertain significance for Long QT syndrome. Last evaluated: 2023-06-26. Review status: criteria provided, single submitter. Criteria: ACMG Guidelines, 2015. Collection method: clinical testing. Allele origin: germline. Inheritance: Autosomal dominant inheritance. Observed: 1 variant allele, 1 heterozygote. Not counted in ClinVar's aggregate classification.
Comment: This missense variant replaces proline with glutamine at codon 448 of the KCNQ1 protein. Computational prediction is inconclusive regarding the impact of this variant on protein structure and function (internally defined REVEL score threshold 0.5 < inconclusive < 0.7, PMID: 27666373). To our knowledge, functional studies have not been reported for this variant. This variant has not been reported in individuals affected with KCNQ1-related disorders in the literature. This variant has been identified in 18/250376 chromosomes in the general population by the Genome Aggregation Database (gnomAD). The available evidence is insufficient to determine the role of this variant in disease conclusively. Therefore, this variant is classified as a Variant of Uncertain Significance.

This study involves interpretation of variants in research participants for the purpose of population health screening. Participant phenotype was not available at the time of variant classification. Additional details can be found in publication PMID: 35346344, PMCID: PMC8962531

NM_000218.3(KCNQ1):c.1343C>A (p.Pro448Gln)

Gene: KCNQ1 (potassium voltage-gated channel subfamily Q member 1; plus strand). Cytogenetic location: 11p15.5.
Variant type: single nucleotide variant.
Coding change: c.1343C>A on transcript NM_000218.3 (MANE Select); coding-DNA position 1343, C replaced by A.
Protein change: p.Pro448Gln; replaces proline 448 with glutamine.
Molecular consequence: missense variant.
Genome position (GRCh38, 1-based): chr11:2,588,804, C>A. VCF-style: chr11-2588804-C-A. GRCh37 (hg19) VCF-style: chr11-2610034-C-A.
Other names: NM_000218.3(KCNQ1):c.1343C>A; p.Pro448Gln; c.1247C>A, p.Pro416Gln (NM_001406836.1); c.1073C>A, p.Pro358Gln (NM_001406837.1); c.803C>A, p.Pro268Gln (NM_001406838.1); c.962C>A, p.Pro321Gln (NM_181798.2); short protein forms P321Q, P448Q, P268Q, P416Q, P358Q.
Identifiers: ClinVar variation 219923 (VCV000219923.17), dbSNP rs12720449, ClinGen allele CA028774.